The following is an entry in ClinVar:

ClinVar aggregate classification (germline): Pathogenic/Likely pathogenic. Review status: criteria provided, multiple submitters, no conflicts (2 of 4 stars). 3 submissions from 3 submitters: Pathogenic (2); Likely pathogenic (1). Last evaluated 2024-06-04.

Conditions:
Breast-ovarian cancer, familial, susceptibility to, 2 (BROVCA2). Also called: BRCA2 Hereditary Breast and Ovarian Cancer. Identifiers: Orphanet 145, MedGen C2675520, MONDO:0012933, OMIM 612555. Disease mechanism: loss of function.
Hereditary cancer-predisposing syndrome. Also called: Hereditary neoplastic syndrome; Neoplastic Syndromes, Hereditary; Tumor predisposition; Hereditary Cancer Syndrome. Identifiers: Orphanet 140162, MedGen C0027672, MeSH D009386, MONDO:0015356.
Hereditary breast ovarian cancer syndrome. Also called: BRCA1- and BRCA2-Associated Hereditary Breast and Ovarian Cancer; Hereditary breast and ovarian cancer; Breast and ovarian cancer; Hereditary breast and/or ovarian cancer syndrome; Hereditary breast and ovarian cancer syndrome; Hereditary breast and ovarian cancer syndrome (HBOC). Identifiers: Orphanet 145, MedGen C0677776, MeSH D061325, MONDO:0003582. Disease mechanism: loss of function.

Submissions (3):

Labcorp Genetics (formerly Invitae), Labcorp
Classification: Pathogenic for Hereditary breast ovarian cancer syndrome. Last evaluated: 2024-06-04. Review status: criteria provided, single submitter. Criteria: Invitae Variant Classification Sherloc (09022015). Collection method: clinical testing. Allele origin: germline.
Comment: This sequence change affects an acceptor splice site in intron 23 of the BRCA2 gene. RNA analysis indicates that disruption of this splice site induces altered splicing and may result in an absent or disrupted protein product. This variant is not present in population databases (gnomAD no frequency). Disruption of this splice site has been observed in individual(s) with breast cancer and/or ovarian cancer (PMID: 9150152, 30103829). It has also been observed to segregate with disease in related individuals. ClinVar contains an entry for this variant (Variation ID: 267718). Studies have shown that disruption of this splice site alters mRNA splicing and is expected to lead to the loss of protein expression (PMID: 22632462; Invitae). For these reasons, this variant has been classified as Pathogenic.

Ambry Genetics
Classification: Likely pathogenic for Hereditary cancer-predisposing syndrome. Last evaluated: 2023-01-11. Review status: criteria provided, single submitter. Criteria: Ambry Variant Classification Scheme 2023. Collection method: clinical testing. Allele origin: germline.
Comment: The c.9118-2A>T intronic variant results from an A to T substitution two nucleotides upstream from coding exon 23 in the BRCA2 gene. This alteration was identified in a large, worldwide study of BRCA1/2 mutation positive families (Rebbeck TR et al. Hum Mutat, 2018 05;39:593-620). This nucleotide position is highly conserved in available vertebrate species. In silico splice site analysis predicts that this alteration will weaken the native splice acceptor site and will result in the creation or strengthening of a novel splice acceptor site; however, direct evidence is insufficient at this time (Ambry internal data). Based on the majority of available evidence to date, this variant is likely to be pathogenic.

Consortium of Investigators of Modifiers of BRCA1/2 (CIMBA), c/o University of Cambridge
Classification: Pathogenic for Breast-ovarian cancer, familial, susceptibility to, 2. Last evaluated: 2015-10-02. Review status: criteria provided, single submitter. Criteria: CIMBA Mutation Classification guidelines May 2016. Collection method: clinical testing. Allele origin: germline.

Literature cited by the submitters: PubMed 9150152 (cited by Labcorp Genetics (formerly Invitae), Labcorp); PubMed 30103829 (cited by Labcorp Genetics (formerly Invitae), Labcorp); PubMed 22632462 (cited by Labcorp Genetics (formerly Invitae), Labcorp); PubMed 29446198 (cited by Ambry Genetics).

NM_000059.4(BRCA2):c.9118-2A>T

Gene: BRCA2 (BRCA2 DNA repair associated; plus strand). Cytogenetic location: 13q13.1.
Variant type: single nucleotide variant.
Coding change: c.9118-2A>T on transcript NM_000059.4 (MANE Select); the canonical splice acceptor site of the intron before coding-DNA position 9118, A replaced by T.
Molecular consequence: splice acceptor variant.
Genome position (GRCh38, 1-based): chr13:32,380,005, A>T. VCF-style: chr13-32380005-A-T. GRCh37 (hg19) VCF-style: chr13-32954142-A-T.
Other names: c.4186-2A>T (NM_001406721.1); c.2701-2A>T (NM_001406722.1); c.9067-2A>T (NM_001406720.1); c.9022-2A>T (NM_001406719.1).
Identifiers: ClinVar variation 267718 (VCV000267718.16), dbSNP rs81002862, ClinGen allele CA10602561.